The following is an entry in ClinVar:

NM_198173.3(GRHL3):c.934C>T (p.Gln312Ter)

Gene: GRHL3 (grainyhead like transcription factor 3; plus strand). Cytogenetic location: 1p36.11.
Variant type: single nucleotide variant.
Coding change: c.934C>T on transcript NM_198173.3 (MANE Select); coding-DNA position 934, C replaced by T.
Protein change: p.Gln312Ter; replaces glutamine 312 with a stop codon.
Molecular consequence: nonsense.
Genome position (GRCh38, 1-based): chr1:24,338,085, C>T. VCF-style: chr1-24338085-C-T. GRCh37 (hg19) VCF-style: chr1-24664575-C-T.
Other names: c.796C>T, p.Gln266Ter (NM_001195010.2); c.949C>T, p.Gln317Ter (NM_021180.4); c.934C>T, p.Gln312Ter (NM_198174.3); short protein forms Q312*, Q266*, Q317*.
Identifiers: ClinVar variation 3102301 (VCV003102301.1), dbSNP rs2522622618, ClinGen allele CA339046002.

ClinVar aggregate classification (germline): Pathogenic (1 of 4 stars; one submission).

Conditions:
Inborn genetic diseases. Identifiers: MedGen C0950123, MeSH D030342.

Submission:

Ambry Genetics
Classification: Pathogenic for Inborn genetic diseases. Last evaluated: 2023-10-26. Review status: criteria provided, single submitter. Criteria: Ambry Variant Classification Scheme 2023. Collection method: clinical testing. Allele origin: germline.
Comment: The c.934C>T (p.Q312*) alteration, located in coding exon 7 of the GRHL3 gene, consists of a C to T substitution at nucleotide position 934. This changes the amino acid from a glutamine (Q) to a stop codon at amino acid position 312. This alteration is expected to result in loss of function by premature protein truncation or nonsense-mediated mRNA decay._x000D_ _x000D_ for GRHL3-related van der Woude syndrome; however, its clinical significance for GRHL3-related neural tube defects is uncertain. This variant was not reported in population-based cohorts in the Genome Aggregation Database (gnomAD). Based on the available evidence, this alteration is classified as pathogenic.